The following is an entry in ClinVar:

ClinVar aggregate classification (germline): Uncertain significance (1 of 4 stars; one submission).

Conditions:
EP300-related disorder. Also called: EP300-related condition; EP300-related disorders.

Submission:

PreventionGenetics, part of Exact Sciences
Classification: Uncertain significance for EP300-related condition. Last evaluated: 2025-10-17. Review status: criteria provided, single submitter. Criteria: ACMG Guidelines, 2015. Collection method: clinical testing. Allele origin: germline.
Comment: The EP300 c.1360A>T variant is predicted to result in the amino acid substitution p.Ser454Cys. To our knowledge, this variant has not been reported in the literature or in a large population database (gnomAD), indicating this variant is rare. At this time, the clinical significance of this variant is uncertain due to the absence of conclusive functional and genetic evidence.

NM_001429.4(EP300):c.1360A>T (p.Ser454Cys)

Gene: EP300 (EP300 lysine acetyltransferase; plus strand). Cytogenetic location: 22q13.2.
Variant type: single nucleotide variant.
Coding change: c.1360A>T on transcript NM_001429.4 (MANE Select); coding-DNA position 1360, A replaced by T.
Protein change: p.Ser454Cys; replaces serine 454 with cysteine.
Molecular consequence: missense variant.
Genome position (GRCh38, 1-based): chr22:41,131,465, A>T. VCF-style: chr22-41131465-A-T. GRCh37 (hg19) VCF-style: chr22-41527469-A-T.
Other names: c.1360A>T, p.Ser454Cys (NM_001362843.2); short protein forms S454C.
Identifiers: ClinVar variation 4992797 (VCV004992797.1).
Genomic context (GRCh38, chr22:41,131,465, plus strand): 5'-CCCGTTGGACTTGGAAATCCTAGCTCTCTAGGGGTGGGTCAACAGTCTGCCCCCAACCTA[A>T]GCACTGTTAGTCAGATTGATCCCAGCTCCATAGAAAGAGCCTATGCAGCTCTTGGACTAC-3'
Protein context (NP_001420.2, residues 444-464): GVGQQSAPNL[Ser454Cys]TVSQIDPSSI